The following is an entry in ClinVar:

ClinVar aggregate classification (germline): Uncertain significance (1 of 4 stars; one submission).

Allele frequency attached by ClinVar (database versions not stated): gnomAD exomes 0.00001.
gnomAD v4.1: 7 of 1,603,534 alleles (0.00044%); highest among the groups gnomAD compares: Non-Finnish European, 0.0006%; no homozygotes.

Submission:

Labcorp Genetics (formerly Invitae), Labcorp
Classification: Uncertain significance. Last evaluated: 2020-08-04. Review status: criteria provided, single submitter. Criteria: Invitae Variant Classification Sherloc (09022015). Collection method: clinical testing. Allele origin: germline.
Comment: This sequence change replaces leucine with valine at codon 581 of the KIAA1549 protein (p.Leu581Val). The leucine residue is weakly conserved and there is a small physicochemical difference between leucine and valine. This variant is not present in population databases (ExAC no frequency). This variant has not been reported in the literature in individuals with KIAA1549-related conditions. Algorithms developed to predict the effect of missense changes on protein structure and function output the following: SIFT: "Tolerated"; PolyPhen-2: "Benign"; Align-GVGD: "Class C0". The valine amino acid residue is found in multiple mammalian species, suggesting that this missense change does not adversely affect protein function. These predictions have not been confirmed by published functional studies and their clinical significance is uncertain. In summary, the available evidence is currently insufficient to determine the role of this variant in disease. Therefore, it has been classified as a Variant of Uncertain Significance.

NM_001164665.2(KIAA1549):c.1741C>G (p.Leu581Val)

Gene: KIAA1549 (KIAA1549; minus strand). Cytogenetic location: 7q34.
Variant type: single nucleotide variant.
Coding change: c.1741C>G on transcript NM_001164665.2 (MANE Select); coding-DNA position 1741, C replaced by G.
Protein change: p.Leu581Val; replaces leucine 581 with valine.
Molecular consequence: missense variant.
Genome position (GRCh38, 1-based): chr7:138,917,885, G>C on the plus strand (C>G on the coding strand, the complement: KIAA1549 is on the minus strand). VCF-style: chr7-138917885-G-C. GRCh37 (hg19) VCF-style: chr7-138602631-G-C.
Other names: c.1741C>G, p.Leu581Val (NM_020910.3); short protein forms L581V.
Identifiers: ClinVar variation 960464 (VCV000960464.9), dbSNP rs758077678, ClinGen allele CA167163745.